The following is an entry in ClinVar:

ClinVar aggregate classification (germline): Pathogenic (1 of 4 stars; one submission).

Conditions:
Neuromuscular disease caused by qualitative or quantitative defects of dysferlin. Also called: Qualitative or quantitative defects of dysferlin; Dysferlinopathy. Identifiers: Orphanet 207073, MedGen C2931687, MONDO:0016145.

Submission:

Labcorp Genetics (formerly Invitae), Labcorp
Classification: Pathogenic for Neuromuscular disease caused by qualitative or quantitative defects of dysferlin. Last evaluated: 2023-03-21. Review status: criteria provided, single submitter. Criteria: Invitae Variant Classification Sherloc (09022015). Collection method: clinical testing. Allele origin: germline.
Comment: This sequence change replaces tryptophan, which is neutral and slightly polar, with arginine, which is basic and polar, at codon 1094 of the DYSF protein (p.Trp1094Arg). This variant is not present in population databases (gnomAD no frequency). A different variant (c.3280T>C ) giving rise to the same protein effect has been determined to be pathogenic (PMID: 31268554, 33250842). This suggests that this variant is also likely to be causative of disease. Advanced modeling of protein sequence and biophysical properties (such as structural, functional, and spatial information, amino acid conservation, physicochemical variation, residue mobility, and thermodynamic stability) performed at Invitae indicates that this missense variant is expected to disrupt DYSF protein function. For these reasons, this variant has been classified as Pathogenic.

Literature cited by the submitters: PubMed 31268554; PubMed 33250842.

NM_001130987.2(DYSF):c.3334T>A (p.Trp1112Arg)

Gene: DYSF (dysferlin; plus strand). Cytogenetic location: 2p13.2.
Variant type: single nucleotide variant.
Coding change: c.3334T>A on transcript NM_001130987.2 (MANE Select); coding-DNA position 3334, T replaced by A.
Protein change: p.Trp1112Arg; replaces tryptophan 1112 with arginine.
Molecular consequence: missense variant.
Genome position (GRCh38, 1-based): chr2:71,574,303, T>A. VCF-style: chr2-71574303-T-A. GRCh37 (hg19) VCF-style: chr2-71801433-T-A.
Other names: c.3283T>A, p.Trp1095Arg (NM_001130455.2, NM_001130983.2); c.3238T>A, p.Trp1080Arg (NM_001130976.2, NM_001130977.2); c.3280T>A, p.Trp1094Arg (NM_001130978.2, NM_003494.4); c.3373T>A, p.Trp1125Arg (NM_001130979.2); c.3331T>A, p.Trp1111Arg (NM_001130980.2, NM_001130981.2); c.3376T>A, p.Trp1126Arg (NM_001130982.2); c.3241T>A, p.Trp1081Arg (NM_001130984.2, NM_001130986.2); c.3334T>A, p.Trp1112Arg (NM_001130985.2); short protein forms W1081R, W1080R, W1095R, W1125R, W1111R, W1112R, W1126R, W1094R.
Identifiers: ClinVar variation 2919542 (VCV002919542.3), dbSNP rs2545876644, ClinGen allele CA347218250.